The following is an entry in ClinVar:

NM_015599.3(PGM3):c.566A>G (p.Lys189Arg)

Gene: PGM3 (phosphoglucomutase 3; minus strand). Cytogenetic location: 6q14.1.
Variant type: single nucleotide variant.
Coding change: c.566A>G on transcript NM_015599.3 (MANE Select); coding-DNA position 566, A replaced by G.
Protein change: p.Lys189Arg; replaces lysine 189 with arginine.
Molecular consequence: missense variant. On other transcripts: non-coding transcript variant (1).
Genome position (GRCh38, 1-based): chr6:83,182,870, T>C on the plus strand (A>G on the coding strand, the complement: PGM3 is on the minus strand). VCF-style: chr6-83182870-T-C. GRCh37 (hg19) VCF-style: chr6-83892589-T-C.
Other names: c.650A>G, p.Lys217Arg (NM_001199917.2, NM_001367287.1); c.323A>G, p.Lys108Arg (NM_001199918.2); c.566A>G, p.Lys189Arg (NM_001199919.2, NM_001367286.1); short protein forms K189R, K108R, K217R.
Identifiers: ClinVar variation 626147 (VCV000626147.2), dbSNP rs1251637218, ClinGen allele CA364882550.
Genomic context (GRCh38, chr6:83,182,870, plus strand): 5'-TGTTTAACTTTAACCATGTTCAATAAACTTTTCACCTGTTTGGTGAGTTCCACAAAAGCC[T>C]TAGAGAGTTTCTGGTAGTAACCTTCTATAGTTGCCTTTCCATATCGGCCACCCGTGTTTC-3'
Protein context (NP_056414.1, residues 179-199): TIEGYYQKLS[Lys189Arg]AFVELTKQAS

ClinVar aggregate classification (germline): Uncertain significance (1 of 4 stars; one submission).

Conditions:
Immunodeficiency 23 (IMD23). Also called: IMMUNODEFICIENCY WITH HYPER IgE AND COGNITIVE IMPAIRMENT; IMMUNODEFICIENCY-VASCULITIS-MYOCLONUS SYNDROME. Identifiers: Orphanet 443811, MedGen C4014371, MONDO:0014353, OMIM 615816.

Submission:

Center for Genomics, Ann and Robert H. Lurie Children's Hospital of Chicago
Classification: Uncertain significance for Immunodeficiency 23. Last evaluated: 2021-03-30. Review status: criteria provided, single submitter. Criteria: ACMG Guidelines, 2015. Collection method: clinical testing. Allele origin: germline.
Comment: PGM3 NM_001199917.1 exon 6 p.Lys217Arg (c.650A>G): This variant has not been reported in the literature and is not present in large control databases. This variant amino acid Arginine (Arg) is present in 4 species (Bushbaby, Squirrel, Rat, Star-nosed Mole) and is not well conserved among evolutionarily distant species; this suggests that this variant may not impact the protein. Additional computational prediction tools do not suggest an impact. In summary, data on this variant is insufficient for disease classification. Therefore, the clinical significance of this variant is uncertain.